The following is an entry in ClinVar:

NM_001369268.1(ACAN):c.70+1G>A

Gene: ACAN (aggrecan; plus strand). Cytogenetic location: 15q26.1.
Variant type: single nucleotide variant.
Coding change: c.70+1G>A on transcript NM_001369268.1 (MANE Select); the canonical splice donor site of the intron after coding-DNA position 70, G replaced by A.
Molecular consequence: splice donor variant.
Genome position (GRCh38, 1-based): chr15:88,836,277, G>A. VCF-style: chr15-88836277-G-A. GRCh37 (hg19) VCF-style: chr15-89379508-G-A.
Other names: c.70+1G>A (NM_013227.4, NM_001411097.1, NM_001411096.1 and 1 more transcripts).
Identifiers: ClinVar variation 4996442 (VCV004996442.1).
Genomic context (GRCh38, chr15:88,836,277, plus strand): 5'-TACTCTGGGTTTTCGTGACTCTGAGGGTCATCACTGCAGCTGTCACTGTAGAAACTTCAG[G>A]TGAGGACATTCCTATACATGTTTCACGTATTCAGTAGGCATGAGTAGTGGGTTTGAGTAC-3'

ClinVar aggregate classification (germline): Likely pathogenic (1 of 4 stars; one submission).

Conditions:
ACAN-related disorder. Also called: ACAN-related condition; ACAN-related disorders.

Submission:

PreventionGenetics, part of Exact Sciences
Classification: Likely pathogenic for ACAN-related condition. Last evaluated: 2025-12-19. Review status: criteria provided, single submitter. Criteria: ACMG Guidelines, 2015. Collection method: clinical testing. Allele origin: germline.
Comment: The ACAN c.70+1G>A variant is predicted to disrupt the GT donor site and interfere with normal splicing. This variant has been reported in the heterozygous state in two individuals (father and son) from the same family presenting with short stature, and RNA studies indicate that this variant disrupts normal RNA splicing (Wu et al. 2022. PubMed ID: 35620465). This variant has not been reported in a large population database (gnomAD), indicating this variant is rare. Variants that disrupt the consensus splice donor site in ACAN are expected to be pathogenic. This variant is interpreted as likely pathogenic.